The following is an entry in ClinVar:

ClinVar aggregate classification (germline): Pathogenic/Likely pathogenic. Review status: criteria provided, multiple submitters, no conflicts (2 of 4 stars). 6 submissions from 6 submitters: Pathogenic (5); Likely pathogenic (1). Last evaluated 2026-01-26.

Conditions:
Neurofibromatosis, type 1 (NF1). Also called: NEUROFIBROMATOSIS, TYPE I, SOMATIC; Peripheral type neurofibromatosis; Neurofibromatosis, type I; VON RECKLINGHAUSEN DISEASE. Identifiers: Orphanet 636, MedGen C0027831, MONDO:0018975, OMIM 162200. Disease mechanism: loss of function.
NF1-related disorder. Also called: NF1-related condition. Identifiers: MedGen CN379171.

Submissions (6):

GeneDx
Classification: Pathogenic. Last evaluated: 2026-01-26. Review status: criteria provided, single submitter. Criteria: GeneDx Variant Classification Process June 2021. Collection method: clinical testing. Allele origin: germline. Affected: yes.
Comment: Canonical splice site variant predicted to result in an in-frame loss of the adjacent exon in a gene for which loss of function is a known mechanism of disease; Deletions involving coding exons of this gene are a known mechanism of disease (HGMD); Not observed at significant frequency in large population cohorts (gnomAD); Also known as IVS19a+1G>A; This variant is associated with the following publications: (PMID: 25525159, 18546366, 10607834, 2121369, 25486365, 39001468)

NHS Central & South Genomic Laboratory Hub
Classification: Likely pathogenic for Neurofibromatosis type 1. Last evaluated: 2024-11-11. Review status: criteria provided, single submitter. Criteria: ACMG Guidelines, 2015. Collection method: clinical testing. Allele origin: germline. Affected: yes.

Blueprint Genetics
Classification: Pathogenic for NF1-related disorders. Last evaluated: 2024-10-31. Review status: criteria provided, single submitter. Criteria: ACMG Guidelines, 2015. Collection method: clinical testing. Allele origin: germline. Affected: yes. Observed: 1 variant allele.

Labcorp Genetics (formerly Invitae), Labcorp
Classification: Pathogenic for Neurofibromatosis, type 1. Last evaluated: 2023-03-29. Review status: criteria provided, single submitter. Criteria: Invitae Variant Classification Sherloc (09022015). Collection method: clinical testing. Allele origin: germline.
Comment: For these reasons, this variant has been classified as Pathogenic. This sequence change affects a donor splice site in intron 24 of the NF1 gene. RNA analysis indicates that disruption of this splice site induces altered splicing and likely results in a shortened protein product. This variant is not present in population databases (gnomAD no frequency). Disruption of this splice site has been observed in individual(s) with neurofibromatosis type 1 (PMID: 10607834; Invitae). This variant is also known as IVS19a+1G>A. ClinVar contains an entry for this variant (Variation ID: 503702). Studies have shown that disruption of this splice site results in skipping of exon 24, but is expected to preserve the integrity of the reading-frame (PMID: 10607834).

Genome-Nilou Lab
Classification: Pathogenic for Neurofibromatosis, type 1. Last evaluated: 2022-03-15. Review status: criteria provided, single submitter. Criteria: ACMG Guidelines, 2015. Collection method: clinical testing. Allele origin: germline. Affected: no.

Center for Human Genetics, Inc
Classification: Pathogenic for Neurofibromatosis, type 1. Last evaluated: 2016-11-01. Review status: criteria provided, single submitter. Criteria: ACMG Guidelines, 2015. Collection method: clinical testing. Allele origin: germline. Affected: yes.

Literature cited by the submitters: PubMed 10607834 (cited by Labcorp Genetics (formerly Invitae), Labcorp).

NM_001042492.3(NF1):c.3197+1G>A

Gene: NF1 (neurofibromin 1; plus strand). Cytogenetic location: 17q11.2.
Variant type: single nucleotide variant.
Coding change: c.3197+1G>A on transcript NM_001042492.3 (MANE Select); the canonical splice donor site of the intron after coding-DNA position 3197, G replaced by A.
Molecular consequence: splice donor variant.
Genome position (GRCh38, 1-based): chr17:31,230,926, G>A. VCF-style: chr17-31230926-G-A. GRCh37 (hg19) VCF-style: chr17-29557944-G-A.
Other names: c.3197+1G>A (NM_000267.4).
Identifiers: ClinVar variation 503702 (VCV000503702.12), dbSNP rs1555614653, ClinGen allele CA398988339.